The following is an entry in ClinVar:

ClinVar aggregate classification (germline): Uncertain significance (1 of 4 stars; one submission).

Conditions:
Ataxia-telangiectasia syndrome (AT). Also called: Ataxia-telangiectasia, complementation group D; AT, COMPLEMENTATION GROUP C; ATAXIA-TELANGIECTASIA, COMPLEMENTATION GROUP A; ATAXIA-TELANGIECTASIA, FRESNO VARIANT; Ataxia-telangiectasia; LOUIS-BAR SYNDROME. Identifiers: Orphanet 100, MedGen C0004135, MONDO:0008840, OMIM 208900.

Submission:

Labcorp Genetics (formerly Invitae), Labcorp
Classification: Uncertain significance for Ataxia-telangiectasia syndrome. Last evaluated: 2024-04-29. Review status: criteria provided, single submitter. Criteria: Invitae Variant Classification Sherloc (09022015). Collection method: clinical testing. Allele origin: germline.
Comment: This sequence change replaces lysine, which is basic and polar, with asparagine, which is neutral and polar, at codon 2082 of the ATM protein (p.Lys2082Asn). This variant is not present in population databases (gnomAD no frequency). This variant has not been reported in the literature in individuals affected with ATM-related conditions. ClinVar contains an entry for this variant (Variation ID: 651190). An algorithm developed to predict the effect of missense changes on protein structure and function (PolyPhen-2) suggests that this variant is likely to be tolerated. In summary, the available evidence is currently insufficient to determine the role of this variant in disease. Therefore, it has been classified as a Variant of Uncertain Significance.

NM_000051.4(ATM):c.6246A>T (p.Lys2082Asn)

Genes: ATM (ATM serine/threonine kinase; plus strand), C11orf65 (chromosome 11 open reading frame 65; minus strand). Cytogenetic location: 11q22.3.
Variant type: single nucleotide variant.
Coding change: c.6246A>T on transcript NM_000051.4 (MANE Select); coding-DNA position 6246, A replaced by T.
Protein change: p.Lys2082Asn; replaces lysine 2082 with asparagine.
Molecular consequence: missense variant. On other transcripts: intron variant (2).
Genome position (GRCh38, 1-based): chr11:108,317,420, A>T. VCF-style: chr11-108317420-A-T. GRCh37 (hg19) VCF-style: chr11-108188147-A-T.
Other names: c.6246A>T, p.Lys2082Asn (NM_001351834.2); c.641-8349T>A (NM_001330368.2); c.*39-8349T>A (NM_001351110.2); short protein forms K2082N.
Identifiers: ClinVar variation 651190 (VCV000651190.9), dbSNP rs745977589, ClinGen allele CA382551808.
Genomic context (GRCh38, chr11:108,317,420, plus strand): 5'-AACTCCTGTTTAGGCCTTGCAGAATTTGGGACTCTGCCATATTCTTTCCGTCTATTTAAA[A>T]GGATTGGATTATGAAAATAAAGACTGGTGTCCTGAACTAGAAGAACTTCATTACCAAGCA-3'
Protein context (NP_000042.3, residues 2072-2092): GLCHILSVYL[Lys2082Asn]GLDYENKDWC